The following is an entry in ClinVar:

NM_020877.5(DNAH2):c.1126C>T (p.Pro376Ser)

Gene: DNAH2 (dynein axonemal heavy chain 2; plus strand). Cytogenetic location: 17p13.1.
Variant type: single nucleotide variant.
Coding change: c.1126C>T on transcript NM_020877.5 (MANE Select); coding-DNA position 1126, C replaced by T.
Protein change: p.Pro376Ser; replaces proline 376 with serine.
Molecular consequence: missense variant.
Genome position (GRCh38, 1-based): chr17:7,737,214, C>T. VCF-style: chr17-7737214-C-T. GRCh37 (hg19) VCF-style: chr17-7640532-C-T.
Other names: c.1126C>T, p.Pro376Ser (NM_001303270.2); short protein forms P376S.
Identifiers: ClinVar variation 3055181 (VCV003055181.2), dbSNP rs201401856, ClinGen allele CA8356025.

ClinVar aggregate classification (germline): Likely benign (0 of 4 stars; one submission).

Conditions:
DNAH2-related disorder. Also called: DNAH2-related condition.

Allele frequency attached by ClinVar (database versions not stated): gnomAD exomes 0.00006; gnomAD 0.00012; TOPMed 0.00014; ExAC 0.00029; 1000 Genomes Project 30x 0.00078; 1000 Genomes Project 0.00080.
gnomAD v4.1: 123 of 1,613,948 alleles (0.0076%); highest among the groups gnomAD compares: East Asian, 0.21%; no homozygotes.

Submission:

PreventionGenetics, part of Exact Sciences
Classification: Likely benign for DNAH2-related condition. Last evaluated: 2023-07-13. Review status: no assertion criteria provided. Collection method: clinical testing. Allele origin: germline.
Comment: This variant is classified as likely benign based on ACMG/AMP sequence variant interpretation guidelines (Richards et al. 2015 PMID: 25741868, with internal and published modifications).